The following is an entry in ClinVar:

NM_000169.3(GLA):c.823C>T (p.Leu275Phe)

Genes: GLA (galactosidase alpha; minus strand), RPL36A-HNRNPH2 (RPL36A-HNRNPH2 readthrough; plus strand). Cytogenetic location: Xq22.1.
Variant type: single nucleotide variant.
Coding change: c.823C>T on transcript NM_000169.3 (MANE Select); coding-DNA position 823, C replaced by T.
Protein change: p.Leu275Phe; replaces leucine 275 with phenylalanine.
Molecular consequence: missense variant. On other transcripts: non-coding transcript variant (3), intron variant (2).
Genome position (GRCh38, 1-based): chrX:101,398,546, G>A on the plus strand (C>T on the coding strand, the complement: GLA is on the minus strand). VCF-style: chrX-101398546-G-A. GRCh37 (hg19) VCF-style: chrX-100653534-G-A.
Other names: c.946C>T, p.Leu316Phe (NM_001406747.1); c.823C>T, p.Leu275Phe (NM_001406748.1); c.300+3089G>A (NM_001199973.2); c.177+6724G>A (NM_001199974.2); short protein forms L316F.
Identifiers: ClinVar variation 92567 (VCV000092567.7), dbSNP rs398123222, ClinGen allele CA022106.

ClinVar aggregate classification (germline): Pathogenic/Likely pathogenic. Review status: criteria provided, multiple submitters, no conflicts (2 of 4 stars). 3 submissions from 3 submitters: Pathogenic (2); Likely pathogenic (1). Last evaluated 2026-09-08.

Conditions:
GLA-related disorder. Also called: GLA-related condition.
Fabry disease. Also called: Ceramide trihexosidosis; Fabry's disease; HEREDITARY DYSTOPIC LIPIDOSIS; Angiokeratoma corporis diffusum; ALPHA-GALACTOSIDASE A DEFICIENCY; ANDERSON-FABRY DISEASE. Identifiers: Orphanet 324, MedGen C0002986, MONDO:0010526, OMIM 301500, HP:0001071. Disease mechanism: Fabry disease is due to inactivating mutations in the X-linked GLA gene resulting in deficiency of the enzyme Alpha Galactosidase-A., loss of function.

Submissions (3):

Genomenon, Inc
Classification: Pathogenic for Fabry disease. Last evaluated: 2026-09-08. Review status: criteria provided, single submitter. Criteria: Genomenon Sequence Variant Interpretation Standards - Updated. Collection method: curation. Allele origin: germline. Affected: yes.
Comment: GLA p.Leu275Phe (c.823C>T) is a missense variant that changes the amino acid at codon 275 from Leucine to Phenylalanine. This variant has been observed in at least one proband with clinical features consistent with Fabry disease (PMID:26338166;30968323;23756194;32813676). The variant was found to segregate with disease in at least one affected family (PMID:30968323). At least one functional study has demonstrated a substantial alteration in protein function relative to the wild-type (PMID:32023956;27657681;23935525). It is absent or not present at a significant frequency in gnomAD. In silico models predict that this variant is possibly or probably damaging. In conclusion, we classify GLA p.Leu275Phe (c.823C>T) as a pathogenic variant.

Blueprint Genetics
Classification: Pathogenic for GLA-related disorders. Last evaluated: 2022-12-26. Review status: criteria provided, single submitter. Criteria: ACMG Guidelines, 2015. Collection method: clinical testing. Allele origin: germline. Affected: yes. Observed: 1 variant allele.

Eurofins Ntd Llc (ga)
Classification: Likely pathogenic. Last evaluated: 2013-08-20. Review status: criteria provided, single submitter. Criteria: EGL Classification Definitions 2015. Collection method: clinical testing. Allele origin: germline. Observed: 1 variant allele, 1 heterozygote.

Literature cited by the submitters: PubMed 26338166 (cited by Genomenon, Inc); PubMed 30968323 (cited by Genomenon, Inc); PubMed 23756194 (cited by Genomenon, Inc and Eurofins Ntd Llc (ga)); PubMed 32813676 (cited by Genomenon, Inc); PubMed 32023956 (cited by Genomenon, Inc); PubMed 27657681 (cited by Genomenon, Inc); PubMed 23935525 (cited by Genomenon, Inc).